The following is an entry in ClinVar:

ClinVar aggregate classification (germline): Benign (1 of 4 stars; one submission).

Allele frequency attached by ClinVar (database versions not stated): gnomAD exomes 0.00040; 1000 Genomes Project 0.00240; gnomAD 0.00271; TOPMed 0.00290; 1000 Genomes Project 30x 0.00297.
gnomAD v4.1: 513 of 398,614 alleles (0.13%); highest among the groups gnomAD compares: African/African-American, 0.87%; 1 homozygote.

Submission:

CeGaT Center for Human Genetics Tuebingen
Classification: Benign. Last evaluated: 2026-08-01. Review status: criteria provided, single submitter. Criteria: CeGaT Center For Human Genetics Tuebingen Variant Classification Criteria Version 2. Collection method: clinical testing. Allele origin: germline. Affected: yes. Observed: 5 variant alleles.
Comment: KCNQ1OT1: BS1, BS2

NM_000218.3(KCNQ1):c.1394-36112G>A

Genes: KCNQ1 (potassium voltage-gated channel subfamily Q member 1; plus strand), KCNQ1OT1 (KCNQ1 opposite strand/antisense transcript 1; minus strand). Cytogenetic location: 11p15.5.
Variant type: single nucleotide variant.
Coding change: c.1394-36112G>A on transcript NM_000218.3 (MANE Select); 36112 bases into the intron before coding-DNA position 1394, G replaced by A.
Molecular consequence: intron variant.
Genome position (GRCh38, 1-based): chr11:2,625,849, G>A. VCF-style: chr11-2625849-G-A. GRCh37 (hg19) VCF-style: chr11-2647079-G-A.
Other names: c.1124-36112G>A (NM_001406837.1); c.1298-36112G>A (NM_001406836.1); c.854-36112G>A (NM_001406838.1); c.1013-36112G>A (NM_181798.2).
Identifiers: ClinVar variation 2578630 (VCV002578630.25), dbSNP rs138576215, ClinGen allele CA216364444.